The following is an entry in ClinVar:

ClinVar aggregate classification (germline): Conflicting classifications of pathogenicity. Review status: criteria provided, conflicting classifications (1 of 4 stars). 2 submissions from 2 submitters: Likely pathogenic (1); Uncertain significance (1). Last evaluated 2025-01-09.

Conditions:
Autosomal recessive nonsyndromic hearing loss 3. Also called: NEUROSENSORY NONSYNDROMIC RECESSIVE DEAFNESS 3. Identifiers: Orphanet 90636, MedGen C1838263, MONDO:0010860, OMIM 600316.

Allele frequency attached by ClinVar (database versions not stated): gnomAD exomes 0.00001.
gnomAD v4.1: 9 of 1,614,108 alleles (0.00056%); highest among the groups gnomAD compares: East Asian, 0.0022%; no homozygotes.

Submissions (2):

Institute of Rare Diseases, West China Hospital, Sichuan University
Classification: Likely pathogenic for Autosomal recessive nonsyndromic hearing loss 3. Last evaluated: 2025-01-09. Review status: criteria provided, single submitter. Criteria: ClinGen HL ACMG Specifications v1. Collection method: research. Allele origin: germline. Affected: yes.
Comment: PM3;PM5;PM2_Supporting;PP3

Laboratory for Molecular Medicine, Mass General Brigham Personalized Medicine
Classification: Uncertain significance. Last evaluated: 2015-01-21. Review status: criteria provided, single submitter. Criteria: LMM Criteria. Collection method: clinical testing. Allele origin: germline. Observed: 1 variant allele.
Comment: The p.Arg1370His variant in MYO15A has not been previously reported in individua ls with hearing loss or in large population studies. Computational prediction to ols and conservation analyses suggest that this variant may impact the protein, though this information is not predictive enough to determine pathogenicity. In summary, the clinical significance of the p.Arg1370His variant is uncertain.

NM_016239.4(MYO15A):c.4109G>A (p.Arg1370His)

Gene: MYO15A (myosin XVA; plus strand). Cytogenetic location: 17p11.2.
Variant type: single nucleotide variant.
Coding change: c.4109G>A on transcript NM_016239.4 (MANE Select); coding-DNA position 4109, G replaced by A.
Protein change: p.Arg1370His; replaces arginine 1370 with histidine.
Molecular consequence: missense variant.
Genome position (GRCh38, 1-based): chr17:18,131,309, G>A. VCF-style: chr17-18131309-G-A. GRCh37 (hg19) VCF-style: chr17-18034623-G-A.
Other names: short protein forms R1370H.
Identifiers: ClinVar variation 228947 (VCV000228947.5), dbSNP rs771676248, ClinGen allele CA10577017.
Genomic context (GRCh38, chr17:18,131,309, plus strand): 5'-CAACACCCCTCTTGGAGTCCTTCGGTAATGCCAAAACCGTCAGGAACGACAACTCCAGCC[G>A]CTTTGGGAAGTTTGTGGAAATCTTTCTGGAAGGGTGAGTTGGGACAGTGGAGGGCCTCCC-3'
Protein context (NP_057323.3, residues 1360-1380): AKTVRNDNSS[Arg1370His]FGKFVEIFLE